The following is an entry in ClinVar:

NM_001145252.3(CFP):c.1180C>T (p.Pro394Ser)

Gene: CFP (complement factor properdin; minus strand). Cytogenetic location: Xp11.23.
Variant type: single nucleotide variant.
Coding change: c.1180C>T on transcript NM_001145252.3 (MANE Select); coding-DNA position 1180, C replaced by T.
Protein change: p.Pro394Ser; replaces proline 394 with serine.
Molecular consequence: missense variant.
Genome position (GRCh38, 1-based): chrX:47,626,122, G>A on the plus strand (C>T on the coding strand, the complement: CFP is on the minus strand). VCF-style: chrX-47626122-G-A. GRCh37 (hg19) VCF-style: chrX-47485521-G-A.
Other names: c.1180C>T, p.Pro394Ser (NM_002621.2); short protein forms P394S.
Identifiers: ClinVar variation 1299880 (VCV001299880.8), dbSNP rs756946812, ClinGen allele CA10398843.

ClinVar aggregate classification (germline): Uncertain significance. Review status: criteria provided, single submitter (1 of 4 stars). 3 submissions from 3 submitters: Uncertain significance (1). 2 of the submissions do not count toward it. Last evaluated 2025-12-15.

Allele frequency attached by ClinVar (database versions not stated): gnomAD 0.00003 and 0.00005; gnomAD exomes 0.00005; TOPMed 0.00007; ExAC 0.00011.
gnomAD v4.1: 205 of 1,177,481 alleles (0.017%); highest among the groups gnomAD compares: Non-Finnish European, 0.022%; no homozygotes.

Submissions (3):

Labcorp Genetics (formerly Invitae), Labcorp
Classification: Uncertain significance. Last evaluated: 2025-12-15. Review status: criteria provided, single submitter. Criteria: Invitae Variant Classification Sherloc (09022015). Collection method: clinical testing. Allele origin: germline.
Comment: This sequence change replaces proline, which is neutral and non-polar, with serine, which is neutral and polar, at codon 394 of the CFP protein (p.Pro394Ser). This variant is present in population databases (rs756946812, gnomAD 0.01%). This variant has not been reported in the literature in individuals affected with CFP-related conditions. ClinVar contains an entry for this variant (Variation ID: 1299880). An algorithm developed to predict the effect of missense changes on protein structure and function (PolyPhen-2) suggests that this variant is likely to be disruptive. In summary, the available evidence is currently insufficient to determine the role of this variant in disease. Therefore, it has been classified as a Variant of Uncertain Significance.

Diagnostic Laboratory, Department of Genetics, University Medical Center Groningen
Classification: Uncertain significance. Review status: no assertion criteria provided. Collection method: clinical testing. Allele origin: germline. Affected: yes. Study: VKGL Data-share Consensus. Not counted in ClinVar's aggregate classification.

Laboratory of Diagnostic Genome Analysis, Leiden University Medical Center (LUMC)
Classification: Uncertain significance. Review status: no assertion criteria provided. Collection method: clinical testing. Allele origin: germline. Affected: yes. Study: VKGL Data-share Consensus. Not counted in ClinVar's aggregate classification.